The following is an entry in ClinVar:

ClinVar aggregate classification (germline): Uncertain significance (1 of 4 stars; one submission).

Conditions:
Developmental and epileptic encephalopathy, 9 (DEE9). Also called: Early infantile epileptic encephalopathy 9; JUBERG-HELLMAN SYNDROME; PCDH19-Related X-Linked Female-Limited Epilepsy with Mental Retardation; EPILEPSY, FEMALE-RESTRICTED, WITH MENTAL RETARDATION. Identifiers: Orphanet 101039, Orphanet 2076, MedGen C1848137, MONDO:0010246, OMIM 300088. Disease mechanism: loss of function.

Submission:

Neuberg Centre For Genomic Medicine, NCGM
Classification: Uncertain significance for Developmental and epileptic encephalopathy, 9. Last evaluated: 2023-06-02. Review status: criteria provided, single submitter. Criteria: ACMG Guidelines, 2015. Collection method: clinical testing. Allele origin: germline. Inheritance: X-linked inheritance. Affected: yes.
Comment: The observed missense variant c.2705A>G(p.Asn902Ser) in the PCDH19 gene has not been reported previously as a pathogenic variant nor as a benign variant, to our knowledge. This variant is absent in the gnomAD Exomes. The amino acid Asn at position 902 is changed to a Ser changing protein sequence and it might alter its composition and physico-chemical properties. Multiple lines of computational evidence (Polyphen - Possibly Damaging and MutationTaster - Disease causing) predict a damaging effect on protein structure and function for this variant. The residue is conserved by GERP++ and PhyloP across 100 vertebrates. For these reasons, this variant has been classified as Uncertain Significance.

NM_001184880.2(PCDH19):c.2705A>G (p.Asn902Ser)

Gene: PCDH19 (protocadherin 19; minus strand). Cytogenetic location: Xq22.1.
Variant type: single nucleotide variant.
Coding change: c.2705A>G on transcript NM_001184880.2 (MANE Select); coding-DNA position 2705, A replaced by G.
Protein change: p.Asn902Ser; replaces asparagine 902 with serine.
Molecular consequence: missense variant.
Genome position (GRCh38, 1-based): chrX:100,342,046, T>C on the plus strand (A>G on the coding strand, the complement: PCDH19 is on the minus strand). VCF-style: chrX-100342046-T-C. GRCh37 (hg19) VCF-style: chrX-99597044-T-C.
Other names: c.2564A>G, p.Asn855Ser (NM_001105243.2); c.2561A>G, p.Asn854Ser (NM_020766.3); short protein forms N854S, N855S, N902S.
Identifiers: ClinVar variation 3362327 (VCV003362327.3).